The following is an entry in ClinVar:

NM_004006.3(DMD):c.2345G>A (p.Arg782Lys)

Gene: DMD (dystrophin; minus strand). Cytogenetic location: Xp21.1.
Variant type: single nucleotide variant.
Coding change: c.2345G>A on transcript NM_004006.3 (MANE Select); coding-DNA position 2345, G replaced by A.
Protein change: p.Arg782Lys; replaces arginine 782 with lysine.
Molecular consequence: missense variant.
Genome position (GRCh38, 1-based): chrX:32,501,790, C>T on the plus strand (G>A on the coding strand, the complement: DMD is on the minus strand). VCF-style: chrX-32501790-C-T. GRCh37 (hg19) VCF-style: chrX-32519907-C-T.
Other names: c.2321G>A, p.Arg774Lys (NM_000109.4); c.2333G>A, p.Arg778Lys (NM_004009.3); c.1976G>A, p.Arg659Lys (NM_004010.3); short protein forms R659K, R782K, R774K, R778K.
Identifiers: ClinVar variation 2797422 (VCV002797422.3), dbSNP rs1357007720, ClinGen allele CA412673619.

ClinVar aggregate classification (germline): Uncertain significance (1 of 4 stars; one submission).

Conditions:
Duchenne muscular dystrophy (DMD). Also called: MUSCULAR DYSTROPHY, PSEUDOHYPERTROPHIC PROGRESSIVE, DUCHENNE TYPE; Duchenne Muscular Dystrophy (DMD). Identifiers: Orphanet 98896, MedGen C0013264, MONDO:0010679, OMIM 310200.

Submission:

Labcorp Genetics (formerly Invitae), Labcorp
Classification: Uncertain significance for Duchenne muscular dystrophy. Last evaluated: 2023-02-17. Review status: criteria provided, single submitter. Criteria: Invitae Variant Classification Sherloc (09022015). Collection method: clinical testing. Allele origin: germline.
Comment: In summary, the available evidence is currently insufficient to determine the role of this variant in disease. Therefore, it has been classified as a Variant of Uncertain Significance. This variant is not present in population databases (gnomAD no frequency). This variant has not been reported in the literature in individuals affected with DMD-related conditions. Advanced modeling of protein sequence and biophysical properties (such as structural, functional, and spatial information, amino acid conservation, physicochemical variation, residue mobility, and thermodynamic stability) performed at Invitae indicates that this missense variant is not expected to disrupt DMD protein function. This sequence change replaces arginine, which is basic and polar, with lysine, which is basic and polar, at codon 782 of the DMD protein (p.Arg782Lys).